The following is an entry in ClinVar:

ClinVar aggregate classification (germline): Likely benign. Review status: criteria provided, single submitter (1 of 4 stars). 2 submissions from 2 submitters: Likely benign (1). 1 of the submissions does not count toward it. Last evaluated 2022-07-03.

Conditions:
ARSG-related disorder. Also called: ARSG-related condition.

Allele frequency attached by ClinVar (database versions not stated): ExAC 0.00001; gnomAD 0.00001; gnomAD exomes 0.00001; TOPMed 0.00001.
gnomAD v4.1: 19 of 1,609,196 alleles (0.0012%); highest among the groups gnomAD compares: Non-Finnish European, 0.0016%; no homozygotes.

Submissions (2):

Labcorp Genetics (formerly Invitae), Labcorp
Classification: Likely benign. Last evaluated: 2022-07-03. Review status: criteria provided, single submitter. Criteria: Invitae Variant Classification Sherloc (09022015). Collection method: clinical testing. Allele origin: germline.

PreventionGenetics, part of Exact Sciences
Classification: Likely benign for ARSG-related condition. Last evaluated: 2019-09-17. Review status: no assertion criteria provided. Collection method: clinical testing. Allele origin: germline. Not counted in ClinVar's aggregate classification.
Comment: This variant is classified as likely benign based on ACMG/AMP sequence variant interpretation guidelines (Richards et al. 2015 PMID: 25741868, with internal and published modifications).

NM_001267727.2(ARSG):c.231C>T (p.Phe77=)

Gene: ARSG (arylsulfatase G; plus strand). Cytogenetic location: 17q24.2.
Variant type: single nucleotide variant.
Coding change: c.231C>T on transcript NM_001267727.2 (MANE Select); coding-DNA position 231, C replaced by T.
Protein change: p.Phe77=; no amino-acid change (phenylalanine 77 retained).
Molecular consequence: synonymous variant.
Genome position (GRCh38, 1-based): chr17:68,343,616, C>T. VCF-style: chr17-68343616-C-T. GRCh37 (hg19) VCF-style: chr17-66339757-C-T.
Other names: c.231C>T, p.Phe77= (NM_001352899.2, NM_001352900.2, NM_001352901.2 and 9 more transcripts); c.231C>T (NM_014960.4).
Identifiers: ClinVar variation 1976284 (VCV001976284.6), dbSNP rs759418577, ClinGen allele CA8728142.